The following is an entry in ClinVar:

NM_152564.5(VPS13B):c.1820A>T (p.Glu607Val)

Gene: VPS13B (vacuolar protein sorting 13 homolog B; plus strand). Cytogenetic location: 8q22.2.
Variant type: single nucleotide variant.
Coding change: c.1820A>T on transcript NM_152564.5 (MANE Select); coding-DNA position 1820, A replaced by T.
Protein change: p.Glu607Val; replaces glutamic acid 607 with valine.
Molecular consequence: missense variant.
Genome position (GRCh38, 1-based): chr8:99,143,142, A>T. VCF-style: chr8-99143142-A-T. GRCh37 (hg19) VCF-style: chr8-100155370-A-T.
Other names: c.1820A>T, p.Glu607Val (NM_015243.3, NM_017890.5); short protein forms E607V.
Identifiers: ClinVar variation 4996409 (VCV004996409.1).
Genomic context (GRCh38, chr8:99,143,142, plus strand): 5'-ATAGCAGTGCGGTGCATAGGATTTTGAAAATGATTGTGTGTGCCTTGGAACATGAATATG[A>T]ACCATATAGCAGGCTAAAATCAGGTTTGTTTCTGGATTAATTTTGAATCTTTTGCCATTT-3'
Protein context (NP_689777.3, residues 597-617): MIVCALEHEY[Glu607Val]PYSRLKSDIK

ClinVar aggregate classification (germline): Uncertain significance (1 of 4 stars; one submission).

Conditions:
VPS13B-related disorder. Also called: VPS13B-related condition.

Submission:

PreventionGenetics, part of Exact Sciences
Classification: Uncertain significance for VPS13B-related condition. Last evaluated: 2026-07-22. Review status: criteria provided, single submitter. Criteria: ACMG Guidelines, 2015. Collection method: clinical testing. Allele origin: germline.
Comment: The VPS13B c.1820A>T variant is predicted to result in the amino acid substitution p.Glu607Val. To our knowledge, this variant has not been reported in the literature or in a large population database (gnomAD), indicating this variant is rare. At this time, the clinical significance of this variant is uncertain due to the absence of conclusive functional and genetic evidence.